The following is an entry in ClinVar:

ClinVar aggregate classification (germline): Uncertain significance (1 of 4 stars; one submission).

Submission:

Labcorp Genetics (formerly Invitae), Labcorp
Classification: Uncertain significance. Last evaluated: 2022-03-17. Review status: criteria provided, single submitter. Criteria: Invitae Variant Classification Sherloc (09022015). Collection method: clinical testing. Allele origin: germline.
Comment: This sequence change replaces serine, which is neutral and polar, with proline, which is neutral and non-polar, at codon 1734 of the LRP2 protein (p.Ser1734Pro). This variant is not present in population databases (gnomAD no frequency). This variant has not been reported in the literature in individuals affected with LRP2-related conditions. Algorithms developed to predict the effect of missense changes on protein structure and function (SIFT, PolyPhen-2, Align-GVGD) all suggest that this variant is likely to be tolerated. In summary, the available evidence is currently insufficient to determine the role of this variant in disease. Therefore, it has been classified as a Variant of Uncertain Significance.

NM_004525.3(LRP2):c.5200T>C (p.Ser1734Pro)

Gene: LRP2 (LDL receptor related protein 2; minus strand). Cytogenetic location: 2q31.1.
Variant type: single nucleotide variant.
Coding change: c.5200T>C on transcript NM_004525.3 (MANE Select); coding-DNA position 5200, T replaced by C.
Protein change: p.Ser1734Pro; replaces serine 1734 with proline.
Molecular consequence: missense variant.
Genome position (GRCh38, 1-based): chr2:169,231,741, A>G on the plus strand (T>C on the coding strand, the complement: LRP2 is on the minus strand). VCF-style: chr2-169231741-A-G. GRCh37 (hg19) VCF-style: chr2-170088251-A-G.
Other names: short protein forms S1734P.
Identifiers: ClinVar variation 2105902 (VCV002105902.4), dbSNP rs2545863863, ClinGen allele CA349140174.